The following is an entry in ClinVar:

NM_014026.6(DCPS):c.855C>T (p.Phe285=)

Genes: DCPS (decapping enzyme, scavenger; plus strand), GSEC (G-quadruplex forming sequence containing lncRNA; minus strand). Cytogenetic location: 11q24.2.
Variant type: single nucleotide variant.
Coding change: c.855C>T on transcript NM_014026.6 (MANE Select); coding-DNA position 855, C replaced by T.
Protein change: p.Phe285=; no amino-acid change (phenylalanine 285 retained).
Molecular consequence: synonymous variant.
Genome position (GRCh38, 1-based): chr11:126,345,454, C>T. VCF-style: chr11-126345454-C-T. GRCh37 (hg19) VCF-style: chr11-126215349-C-T.
Other names: c.876C>T, p.Phe292= (NM_001350236.2).
Identifiers: ClinVar variation 733947 (VCV000733947.27), dbSNP rs368589401, ClinGen allele CA6355171.

ClinVar aggregate classification (germline): Likely benign. Review status: criteria provided, multiple submitters, no conflicts (2 of 4 stars). 2 submissions from 2 submitters: Likely benign (2). Last evaluated 2025-02-01.

Allele frequency attached by ClinVar (database versions not stated): ExAC 0.00007; gnomAD 0.00007 and 0.00008; ESP Exome Variant Server 0.00008; TOPMed 0.00009.

Submissions (2):

CeGaT Center for Human Genetics Tuebingen
Classification: Likely benign. Last evaluated: 2025-02-01. Review status: criteria provided, single submitter. Criteria: CeGaT Center For Human Genetics Tuebingen Variant Classification Criteria Version 2. Collection method: clinical testing. Allele origin: germline. Affected: yes. Observed: 2 variant alleles.
Comment: DCPS: BP4, BP7

Labcorp Genetics (formerly Invitae), Labcorp
Classification: Likely benign. Last evaluated: 2018-01-15. Review status: criteria provided, single submitter. Criteria: Invitae Variant Classification Sherloc (09022015). Collection method: clinical testing. Allele origin: germline.